The following is an entry in ClinVar:

NM_001159773.2(CANT1):c.*1056T>C

Gene: CANT1 (calcium activated nucleotidase 1; minus strand). Cytogenetic location: 17q25.3.
Variant type: single nucleotide variant.
Coding change: c.*1056T>C on transcript NM_001159773.2 (MANE Select); 1056 bases downstream of the stop codon, T replaced by C.
Molecular consequence: 3 prime UTR variant.
Genome position (GRCh38, 1-based): chr17:78,992,494, A>G on the plus strand (T>C on the coding strand, the complement: CANT1 is on the minus strand). VCF-style: chr17-78992494-A-G. GRCh37 (hg19) VCF-style: chr17-76988576-A-G.
Other names: c.*1056T>C (NM_001159772.2, NM_138793.4).
Identifiers: ClinVar variation 325675 (VCV000325675.5), dbSNP rs77565945, ClinGen allele CA10646998.

ClinVar aggregate classification (germline): Benign (1 of 4 stars; one submission).

Conditions:
Desbuquois dysplasia 1 (DBQD1). Also called: MICROMELIC DWARFISM WITH VERTEBRAL AND METAPHYSEAL ABNORMALITIES AND ADVANCED CARPOTARSAL OSSIFICATION; DESBUQUOIS DYSPLASIA 1, KIM VARIANT. Identifiers: Orphanet 1425, MedGen C4012146, MONDO:0009629, OMIM 251450.

Allele frequency attached by ClinVar (database versions not stated): gnomAD 0.00109 and 0.00163; TOPMed 0.00225; gnomAD exomes 0.00254; 1000 Genomes Project 30x 0.00781; 1000 Genomes Project 0.00859.
gnomAD v4.1: 797 of 373,490 alleles (0.21%); highest among the groups gnomAD compares: East Asian, 2.9%; 10 homozygotes.

Submission:

Illumina Laboratory Services, Illumina
Classification: Benign for Desbuquois dysplasia 1. Last evaluated: 2018-01-13. Review status: criteria provided, single submitter. Criteria: ICSL Variant Classification Criteria 13 December 2019. Collection method: clinical testing. Allele origin: germline.
Comment: This variant was observed in the ICSL laboratory as part of a predisposition screen in an ostensibly healthy population. It had not been previously curated by ICSL or reported in the Human Gene Mutation Database (HGMD: prior to June 1st, 2018), and was therefore a candidate for classification through an automated scoring system. Utilizing variant allele frequency, disease prevalence and penetrance estimates, and inheritance mode, an automated score was calculated to assess if this variant is too frequent to cause the disease. Based on the score and internal cut-off values, a variant classified as benign is not then subjected to further curation. The score for this variant resulted in a classification of benign for this disease.